The following is an entry in ClinVar:

NC_000015.9:g.(?_48800759)_(48800921_?)del

Gene: FBN1 (fibrillin 1; minus strand). Cytogenetic location: 15q21.1.
Variant type: Deletion.
Identifiers: ClinVar variation 3243711 (VCV003243711.1).

ClinVar aggregate classification (germline): Pathogenic (1 of 4 stars; one submission).

Conditions:
Marfan syndrome (MFS). Also called: MARFAN SYNDROME, TYPE I; Marfan syndrome type 1; Marfan's syndrome; Marfan syndrome, classic; FBN1-Related Marfan Syndrome. Identifiers: Orphanet 284963, Orphanet 558, MedGen C0024796, MONDO:0007947, OMIM 154700.
Familial thoracic aortic aneurysm and aortic dissection (TAAD). Also called: Thoracic aortic aneurysms and dissections. Identifiers: Orphanet 91387, MedGen C4707243, MONDO:0019625.

Submission:

Labcorp Genetics (formerly Invitae), Labcorp
Classification: Pathogenic for Marfan syndrome; Familial thoracic aortic aneurysm and aortic dissection. Last evaluated: 2023-10-30. Review status: criteria provided, single submitter. Criteria: Invitae Variant Classification Sherloc (09022015). Collection method: clinical testing. Allele origin: unknown.
Comment: This variant is a gross deletion of the genomic region encompassing exon(s) 15 of the FBN1 gene. This variant would be expected to be in-frame, preserving the integrity of the reading frame. This variant has not been reported in the literature in individuals affected with FBN1-related conditions. This variant affects a cysteine residue in the EGF-like, TGFBP or hybrid motif domains of FBN1. Cysteine residues are believed to be involved in intramolecular disulfide bridges and have been shown to be important for FBN1 protein structure (PMID: 16905551, 19349279). In addition, missense substitutions affecting cysteine residues within these domains are significantly overrepresented among patients with Marfan syndrome (PMID: 16571647, 17701892). For these reasons, this variant has been classified as Pathogenic.

Literature cited by the submitters: PubMed 16905551; PubMed 19349279; PubMed 16571647; PubMed 17701892.